The following is an entry in ClinVar:

ClinVar aggregate classification (germline): Uncertain significance (1 of 4 stars; one submission).

Conditions:
Cystic fibrosis (CF). Also called: MUCOVISCIDOSIS. Identifiers: Orphanet 586, MedGen C0010674, MONDO:0009061, OMIM 219700. Disease mechanism: loss of function.

Submission:

Ambry Genetics
Classification: Uncertain significance for Cystic fibrosis. Last evaluated: 2024-10-11. Review status: criteria provided, single submitter. Criteria: Ambry Variant Classification Scheme 2023. Collection method: clinical testing. Allele origin: germline.
Comment: The p.G1185V variant (also known as c.3554G>T), located in coding exon 22 of the CFTR gene, results from a G to T substitution at nucleotide position 3554. The glycine at codon 1185 is replaced by valine, an amino acid with dissimilar properties. This amino acid position is not well conserved in available vertebrate species. In addition, the in silico prediction for this alteration is inconclusive. Based on the available evidence, the clinical significance of this variant remains unclear.

NM_000492.4(CFTR):c.3554G>T (p.Gly1185Val)

Genes: CFTR (CF transmembrane conductance regulator; plus strand), CFTR-AS2 (CFTR antisense RNA 2; minus strand). Cytogenetic location: 7q31.2.
Variant type: single nucleotide variant.
Coding change: c.3554G>T on transcript NM_000492.4 (MANE Select); coding-DNA position 3554, G replaced by T.
Protein change: p.Gly1185Val; replaces glycine 1185 with valine.
Molecular consequence: missense variant.
Genome position (GRCh38, 1-based): chr7:117,627,607, G>T. VCF-style: chr7-117627607-G-T. GRCh37 (hg19) VCF-style: chr7-117267661-G-T.
Other names: short protein forms G1185V.
Identifiers: ClinVar variation 3491676 (VCV003491676.1).